The following is an entry in ClinVar:

NM_139319.3(SLC17A8):c.188C>G (p.Pro63Arg)

Gene: SLC17A8 (solute carrier family 17 member 8; plus strand). Cytogenetic location: 12q23.1.
Variant type: single nucleotide variant.
Coding change: c.188C>G on transcript NM_139319.3 (MANE Select); coding-DNA position 188, C replaced by G.
Protein change: p.Pro63Arg; replaces proline 63 with arginine.
Molecular consequence: missense variant.
Genome position (GRCh38, 1-based): chr12:100,380,787, C>G. VCF-style: chr12-100380787-C-G. GRCh37 (hg19) VCF-style: chr12-100774565-C-G.
Other names: c.188C>G, p.Pro63Arg (NM_001145288.2); c.188C>G (NM_139319.2); short protein forms P63R.
Identifiers: ClinVar variation 2174799 (VCV002174799.7), dbSNP rs948807871, ClinGen allele CA6738693.

ClinVar aggregate classification (germline): Uncertain significance. Review status: criteria provided, multiple submitters, no conflicts (2 of 4 stars). 4 submissions from 4 submitters: Uncertain significance (4). Last evaluated 2025-11-25.

Conditions:
Inborn genetic diseases. Identifiers: MedGen C0950123, MeSH D030342.

gnomAD v4.1: 26 of 1,614,032 alleles (0.0016%); highest among the groups gnomAD compares: Admixed American, 0.0083%; no homozygotes.

Submissions (4):

Ambry Genetics
Classification: Uncertain significance for Inborn genetic diseases. Last evaluated: 2025-11-25. Review status: criteria provided, single submitter. Criteria: Ambry Variant Classification Scheme 2023. Collection method: clinical testing. Allele origin: germline.

Blueprint Genetics
Classification: Uncertain significance. Last evaluated: 2024-07-31. Review status: criteria provided, single submitter. Criteria: ACMG Guidelines, 2015. Collection method: clinical testing. Allele origin: germline.

Labcorp Genetics (formerly Invitae), Labcorp
Classification: Uncertain significance. Last evaluated: 2024-04-05. Review status: criteria provided, single submitter. Criteria: Invitae Variant Classification Sherloc (09022015). Collection method: clinical testing. Allele origin: germline.
Comment: This sequence change replaces proline, which is neutral and non-polar, with arginine, which is basic and polar, at codon 63 of the SLC17A8 protein (p.Pro63Arg). This variant is present in population databases (no rsID available, gnomAD 0.01%). This variant has not been reported in the literature in individuals affected with SLC17A8-related conditions. ClinVar contains an entry for this variant (Variation ID: 2174799). An algorithm developed to predict the effect of missense changes on protein structure and function (PolyPhen-2) suggests that this variant is likely to be tolerated. In summary, the available evidence is currently insufficient to determine the role of this variant in disease. Therefore, it has been classified as a Variant of Uncertain Significance.

GeneDx
Classification: Uncertain significance. Last evaluated: 2023-03-13. Review status: criteria provided, single submitter. Criteria: GeneDx Variant Classification Process June 2021. Collection method: clinical testing. Allele origin: germline. Affected: yes.
Comment: In silico analysis supports that this missense variant has a deleterious effect on protein structure/function; Has not been previously published as pathogenic or benign to our knowledge